The following is an entry in ClinVar:

ClinVar aggregate classification (germline): Uncertain significance (1 of 4 stars; one submission).

Conditions:
Retinitis pigmentosa 73 (RP73). Identifiers: Orphanet 791, MedGen C4225287, MONDO:0014687, OMIM 616544.
Mucopolysaccharidosis, MPS-III-C (MPS3C). Also called: SANFILIPPO SYNDROME C; MPS III C; Mucopolysaccharidosis type IIIC (Sanfilippo C); MUCOPOLYSACCHARIDOSIS, TYPE IIIC; mucopolysaccharidosis type 3C; MPS IIIC (Sanfilippo Syndrome Type C). Identifiers: Orphanet 581, Orphanet 79271, MedGen C0086649, MONDO:0009657, OMIM 252930.

Allele frequency attached by ClinVar (database versions not stated): ESP Exome Variant Server 0.00008.
gnomAD v4.1: 1 of 1,597,608 alleles (0.000063%); highest among the groups gnomAD compares: Non-Finnish European, 0.000085%; no homozygotes.

Submission:

Labcorp Genetics (formerly Invitae), Labcorp
Classification: Uncertain significance for Retinitis pigmentosa 73; Mucopolysaccharidosis, MPS-III-C. Last evaluated: 2022-06-16. Review status: criteria provided, single submitter. Criteria: Invitae Variant Classification Sherloc (09022015). Collection method: clinical testing. Allele origin: germline.
Comment: This sequence change replaces serine, which is neutral and polar, with phenylalanine, which is neutral and non-polar, at codon 73 of the HGSNAT protein (p.Ser73Phe). This variant is not present in population databases (gnomAD no frequency). This variant has not been reported in the literature in individuals affected with HGSNAT-related conditions. Advanced modeling of protein sequence and biophysical properties (such as structural, functional, and spatial information, amino acid conservation, physicochemical variation, residue mobility, and thermodynamic stability) performed at Invitae indicates that this missense variant is not expected to disrupt HGSNAT protein function. In summary, the available evidence is currently insufficient to determine the role of this variant in disease. Therefore, it has been classified as a Variant of Uncertain Significance.

NM_152419.3(HGSNAT):c.218C>T (p.Ser73Phe)

Gene: HGSNAT (heparan-alpha-glucosaminide N-acetyltransferase; plus strand). Cytogenetic location: 8p11.21.
Variant type: single nucleotide variant.
Coding change: c.218C>T on transcript NM_152419.3 (MANE Select); coding-DNA position 218, C replaced by T.
Protein change: p.Ser73Phe; replaces serine 73 with phenylalanine.
Molecular consequence: missense variant. On other transcripts: 5 prime UTR variant (1).
Genome position (GRCh38, 1-based): chr8:43,147,047, C>T. VCF-style: chr8-43147047-C-T. GRCh37 (hg19) VCF-style: chr8-43002190-C-T.
Other names: c.218C>T, p.Ser73Phe (NM_001363227.2, NM_001363228.2); c.-616C>T (NM_001363229.2); short protein forms S73F.
Identifiers: ClinVar variation 1981433 (VCV001981433.1), dbSNP rs376344391, ClinGen allele CA176102171.
Genomic context (GRCh38, chr8:43,147,047, plus strand): 5'-AGGCTTTGCTACTCATCCATAATGAACTTCTCTGGACCAACTTGACCGTCTACTGGAAAT[C>T]TGAATGCTGTTATCACGTATGTATCAGTTCACACTCAGTTCTGTTTGCTTTGGGGCTTGT-3'
Protein context (NP_689632.2, residues 63-83): LWTNLTVYWK[Ser73Phe]ECCYHCLFQV